The following is an entry in ClinVar:

NM_004572.3(PKP2):c.1677dup (p.Gly560Trpfs)

Gene: PKP2 (plakophilin 2; minus strand). Cytogenetic location: 12p11.21.
Variant type: Duplication.
Coding change: c.1677dup on transcript NM_004572.3; coding-DNA position 1677, one base duplicated (T; older notation c.1677dupT).
Protein change: p.Gly560Trpfs; shifts the reading frame from glycine 560.
Molecular consequence: frameshift variant (on NM_001005242.3).
Genome position (GRCh38, 1-based): chr12:32,841,039, A duplicated on the plus strand (T on the coding strand, the reverse complement: PKP2 is on the minus strand). VCF-style (leftmost placement, unchanged base first): chr12-32841038-C-CA. GRCh37 (hg19) VCF-style: chr12-32993972-C-CA.
Other names: p.Gly560TrpfsX12; c.1677dupT (NM_004572.3); c.1545dup, p.Gly516fs (NM_001005242.3); c.1677dup, p.Gly560fs (NM_004572.4); short protein forms G560fs, G516fs.
Identifiers: ClinVar variation 517335 (VCV000517335.16), dbSNP rs1555144459, ClinGen allele CA658797869.

ClinVar aggregate classification (germline): Pathogenic/Likely pathogenic. Review status: criteria provided, multiple submitters, no conflicts (2 of 4 stars). 4 submissions from 4 submitters: Pathogenic (2); Likely pathogenic (2). Last evaluated 2025-08-03.

Conditions:
Arrhythmogenic right ventricular dysplasia 9 (ARVD9). Also called: ARRHYTHMOGENIC RIGHT VENTRICULAR DYSPLASIA, FAMILIAL, 9; Arrhythmogenic Right Ventricular Dysplasia/Cardiomyopathy 9. Identifiers: MedGen C1836906, MONDO:0012180, OMIM 609040.
Cardiovascular phenotype. Identifiers: MedGen CN230736.
Cardiomyopathy (CMYO). Also called: Cardiomyopathies. Identifiers: Orphanet 167848, MedGen C0878544, MONDO:0004994, HP:0001638. Inheritance: Various modes of inheritance.

Submissions (4):

Labcorp Genetics (formerly Invitae), Labcorp
Classification: Pathogenic for Arrhythmogenic right ventricular dysplasia 9. Last evaluated: 2025-08-03. Review status: criteria provided, single submitter. Criteria: Invitae Variant Classification Sherloc (09022015). Collection method: clinical testing. Allele origin: germline.
Comment: This sequence change creates a premature translational stop signal (p.Gly560Trpfs*12) in the PKP2 gene. It is expected to result in an absent or disrupted protein product. Loss-of-function variants in PKP2 are known to be pathogenic (PMID: 15489853, 17041889, 23911551). This variant is not present in population databases (gnomAD no frequency). This variant has not been reported in the literature in individuals affected with PKP2-related conditions. ClinVar contains an entry for this variant (Variation ID: 517335). For these reasons, this variant has been classified as Pathogenic.

Ambry Genetics
Classification: Pathogenic for Cardiovascular phenotype. Last evaluated: 2023-05-26. Review status: criteria provided, single submitter. Criteria: Ambry Variant Classification Scheme 2023. Collection method: clinical testing. Allele origin: germline.
Comment: The c.1677dupT pathogenic mutation, located in coding exon 7 of the PKP2 gene, results from a duplication of T at nucleotide position 1677, causing a translational frameshift with a predicted alternate stop codon (p.G560Wfs*12). This variant is considered to be rare based on population cohorts in the Genome Aggregation Database (gnomAD). This alteration is expected to result in loss of function by premature protein truncation or nonsense-mediated mRNA decay. As such, this alteration is interpreted as a disease-causing mutation.

Geisinger Autism and Developmental Medicine Institute, Geisinger Health System
Classification: Likely pathogenic for Arrhythmogenic right ventricular dysplasia 9. Last evaluated: 2017-11-27. Review status: criteria provided, single submitter. Criteria: ACMG Guidelines, 2015. Collection method: provider interpretation, clinical testing. Allele origin: paternal. Affected: no. Observed: 1 variant allele.

Laboratory for Molecular Medicine, Mass General Brigham Personalized Medicine
Classification: Likely pathogenic for Cardiomyopathy. Last evaluated: 2017-04-28. Review status: criteria provided, single submitter. Criteria: LMM Criteria. Collection method: clinical testing. Allele origin: germline. Inheritance: Autosomal dominant inheritance. Observed: 1 variant allele.
Comment: The p.Gly560fs variant in PKP2 has not been previously reported in individuals w ith cardiomyopathy or in large population studies, though the ability of these s tudies to accurately detect indels may be limited. This variant is predicted to cause a frameshift, which alters the protein?s amino acid sequence beginning at position 560 and leads to a premature termination codon 12 amino acids downstrea m. This alteration is then predicted to lead to a truncated or absent protein. F rameshift and other truncating variants in PKP2 are strongly associated with arr hythmogenic right ventricular cardiomyopathy. In summary, although additional st udies are required to fully establish its clinical significance, the p.Gly560fs variant is likely pathogenic.

Literature cited by the submitters: PubMed 15489853 (cited by Labcorp Genetics (formerly Invitae), Labcorp and Geisinger Autism and Developmental Medicine Institute, Geisinger Health System); PubMed 17041889 (cited by Labcorp Genetics (formerly Invitae), Labcorp); PubMed 23911551 (cited by Labcorp Genetics (formerly Invitae), Labcorp); PubMed 22781308 (cited by Geisinger Autism and Developmental Medicine Institute, Geisinger Health System); PubMed 16549640 (cited by Geisinger Autism and Developmental Medicine Institute, Geisinger Health System).